The following is an entry in ClinVar:

ClinVar aggregate classification (germline): Uncertain significance (1 of 4 stars; one submission).

Conditions:
Hereditary cancer-predisposing syndrome. Also called: Neoplastic Syndromes, Hereditary; Tumor predisposition; Hereditary Cancer Syndrome; Hereditary neoplastic syndrome. Identifiers: Orphanet 140162, MedGen C0027672, MeSH D009386, MONDO:0015356.

Submission:

Ambry Genetics
Classification: Uncertain significance for Hereditary cancer-predisposing syndrome. Last evaluated: 2022-12-13. Review status: criteria provided, single submitter. Criteria: Ambry Variant Classification Scheme 2023. Collection method: clinical testing. Allele origin: germline.
Comment: The c.1264_1266delGTG variant (also known as p.V422del) is located in coding exon 7 of the SMARCA4 gene. This variant results from an in-frame GTG deletion at nucleotide positions 1264 to 1266. This results in the in-frame deletion of a valine at codon 422. This amino acid position is highly conserved in available vertebrate species. In addition, this alteration is predicted to be deleterious by in silico analysis (Choi Y et al. PLoS ONE. 2012; 7(10):e46688). Missense and in-frame variants in SMARCA4 are known to cause neurodevelopmental disorders; however, such associations with rhabdoid tumor predisposition syndrome including small cell carcinoma of the ovary-hypercalcemic type (SCCOHT) are exceedingly rare (Kosho T et al. Am J Med Genet C Semin Med Genet. 2014 Sep;166C(3):262-75; Jelinic P et al. Nat Genet. 2014 May;46(5):424-6). Since supporting evidence is limited at this time, the clinical significance of this alteration remains unclear.

NM_003072.5(SMARCA4):c.1258GTG[2] (p.Val422del)

Gene: SMARCA4 (SWI/SNF related BAF chromatin remodeling complex subunit ATPase 4; plus strand). Cytogenetic location: 19p13.2.
Variant type: Microsatellite.
Coding change: c.1258GTG[2] on transcript NM_003072.5 (MANE Select); two copies in a row of the 3-base unit GTG starting at c.1258; the reference has three copies in a row; one copy, 3 bases deleted.
Protein change: p.Val422del; deletes valine 422.
Molecular consequence: inframe deletion. On other transcripts: frameshift variant (1), non-coding transcript variant (1).
Genome position (GRCh38, 1-based): chr19:10,991,168-10,991,170, GTG deleted; deleting any 3 consecutive bases within chr19:10,991,161-10,991,170 gives the same sequence; the position shown is the placement nearest the transcript's 3' end. VCF-style (leftmost placement, unchanged base first): chr19-10991160-AGGT-A. GRCh37 (hg19) VCF-style: chr19-11101836-AGGT-A.
Other names: c.1258GTG[2], p.Val422del (NM_001128844.3, NM_001128845.2, NM_001128846.2 and 5 more transcripts); c.1258_1260GTG[2], p.Val422Hisfs (NM_001411150.1); short protein forms V422del.
Identifiers: ClinVar variation 1763708 (VCV001763708.3), dbSNP rs2514143141, ClinGen allele CA2580613052.